The following is an entry in ClinVar:

ClinVar aggregate classification (germline): Pathogenic (1 of 4 stars; one submission).

Conditions:
KBG syndrome (KBGS). Also called: ANKRD11-Related KBG Syndrome. Identifiers: Orphanet 2332, MedGen C0220687, MONDO:0007846, OMIM 148050.

Submission:

Imagene.me medical diagnostic laboratory, IMAGENE.ME SA
Classification: Pathogenic for KBG syndrome. Review status: criteria provided, single submitter. Criteria: IMAGENE.ME Variant Classification SOP 2022. Collection method: clinical testing. Allele origin: de novo. Affected: yes.
Comment: Classified according to the IMAGENE.ME variant classification SOP based on the ACMG guidelines as Pathogenic (P): PVS1 + PS2 + PM2 + PP4

NM_013275.6(ANKRD11):c.2214_2217del (p.Ser739fs)

Gene: ANKRD11 (ankyrin repeat domain 11; minus strand). Cytogenetic location: 16q24.3.
Variant type: Deletion.
Coding change: c.2214_2217del on transcript NM_013275.6 (MANE Select); coding-DNA positions 2214 to 2217, 4 bases deleted (TTCG; older notation c.2214_2217delTTCG).
Protein change: p.Ser739fs; shifts the reading frame from serine 739.
Molecular consequence: frameshift variant.
Genome position (GRCh38, 1-based): chr16:89,284,325-89,284,328, CGAA deleted on the plus strand (TTCG on the coding strand, the reverse complement: ANKRD11 is on the minus strand); deleting any 4 consecutive bases within chr16:89,284,325-89,284,330 gives the same sequence; the c. name uses the placement nearest the transcript's 3' end. VCF-style (leftmost placement, unchanged base first): chr16-89284324-TCGAA-T. GRCh37 (hg19) VCF-style: chr16-89350732-TCGAA-T.
Other names: c.2214_2217del, p.Ser739fs (NM_001256182.2, NM_001256183.2); short protein forms S739fs.
Identifiers: ClinVar variation 4685493 (VCV004685493.1).